The following is an entry in ClinVar:

ClinVar aggregate classification (germline): Benign. Review status: criteria provided, multiple submitters, no conflicts (2 of 4 stars). 3 submissions from 3 submitters: Benign (3). Last evaluated 2026-02-01.

Allele frequency attached by ClinVar (database versions not stated): gnomAD exomes 0.00265 and 0.00101; ExAC 0.00344; gnomAD 0.00949 and 0.01021; 1000 Genomes Project 0.01038; TOPMed 0.01054; 1000 Genomes Project 30x 0.01093; ESP Exome Variant Server 0.01184.
gnomAD v4.1: 3,014 of 1,614,240 alleles (0.19%); highest among the groups gnomAD compares: African/African-American, 3.4%; 54 homozygotes.

Submissions (3):

Labcorp Genetics (formerly Invitae), Labcorp
Classification: Benign. Last evaluated: 2026-02-01. Review status: criteria provided, single submitter. Criteria: Invitae Variant Classification Sherloc (09022015). Collection method: clinical testing. Allele origin: germline.

Mayo Clinic Laboratories, Mayo Clinic
Classification: Benign. Last evaluated: 2024-11-05. Review status: criteria provided, single submitter. Criteria: ACMG Guidelines, 2015. Collection method: clinical testing. Allele origin: germline. Observed: 3 variant alleles.
Comment: BS1, BS2, BP4

Breakthrough Genomics
Classification: Benign. Review status: criteria provided, single submitter. Criteria: ACMG Guidelines, 2015. Collection method: not provided. Allele origin: germline. Inheritance: Autosomal recessive inheritance. Affected: yes.

NM_001561.6(TNFRSF9):c.527C>A (p.Ala176Asp)

Gene: TNFRSF9 (TNF receptor superfamily member 9; minus strand). Cytogenetic location: 1p36.23.
Variant type: single nucleotide variant.
Coding change: c.527C>A on transcript NM_001561.6 (MANE Select); coding-DNA position 527, C replaced by A.
Protein change: p.Ala176Asp; replaces alanine 176 with aspartic acid.
Molecular consequence: missense variant.
Genome position (GRCh38, 1-based): chr1:7,935,030, G>T on the plus strand (C>A on the coding strand, the complement: TNFRSF9 is on the minus strand). VCF-style: chr1-7935030-G-T. GRCh37 (hg19) VCF-style: chr1-7995090-G-T.
Other names: p.Ala176Asp; short protein forms A176D.
Identifiers: ClinVar variation 775499 (VCV000775499.13), dbSNP rs9657979, ClinGen allele CA569195.
Genomic context (GRCh38, chr1:7,935,030, plus strand): 5'-ACCATAAGATACGCACTTTGGCGTAAAGGCATAGCCCAGTTACCTGGCTCTCTCGCAGGG[G>T]CAGGCGGGGTCACAGAGGATGCTCCCGGAGAGAGGTCGGCTGGAGATGGTCCACAGACCA-3'
Protein context (NP_001552.2, residues 166-186): SPGASSVTPP[Ala176Asp]PAREPGHSPQ